The following is an entry in ClinVar:

ClinVar aggregate classification (germline): Uncertain significance (1 of 4 stars; one submission).

Conditions:
Inborn genetic diseases. Identifiers: MedGen C0950123, MeSH D030342.

Submission:

Ambry Genetics
Classification: Uncertain significance for Inborn genetic diseases. Last evaluated: 2026-08-11. Review status: criteria provided, single submitter. Criteria: Ambry Variant Classification Scheme 2023. Collection method: clinical testing. Allele origin: germline.
Comment: The p.T1037A variant (also known as c.3109A>G), located in coding exon 1 of the SAMD9L gene, results from an A to G substitution at nucleotide position 3109. The threonine at codon 1037 is replaced by alanine, an amino acid with similar properties. This amino acid position is conserved. In addition, this alteration is predicted to be tolerated by in silico analysis. Based on the available evidence, the clinical significance of this variant remains unclear.

NM_152703.5(SAMD9L):c.3109A>G (p.Thr1037Ala)

Gene: SAMD9L (sterile alpha motif domain containing 9 like; minus strand). Cytogenetic location: 7q21.2.
Variant type: single nucleotide variant.
Coding change: c.3109A>G on transcript NM_152703.5 (MANE Select); coding-DNA position 3109, A replaced by G.
Protein change: p.Thr1037Ala; replaces threonine 1037 with alanine.
Molecular consequence: missense variant.
Genome position (GRCh38, 1-based): chr7:93,132,863, T>C on the plus strand (A>G on the coding strand, the complement: SAMD9L is on the minus strand). VCF-style: chr7-93132863-T-C. GRCh37 (hg19) VCF-style: chr7-92762176-T-C.
Other names: c.3109A>G, p.Thr1037Ala (NM_001303496.3, NM_001303497.3, NM_001303498.3 and 5 more transcripts); short protein forms T1037A.
Identifiers: ClinVar variation 5028943 (VCV005028943.1).